The following is an entry in ClinVar:

ClinVar aggregate classification (germline): Uncertain significance (1 of 4 stars; one submission).

Conditions:
Arterial tortuosity syndrome (ATORS). Identifiers: Orphanet 3342, MedGen C1859726, MONDO:0008818, OMIM 208050.

Submission:

Labcorp Genetics (formerly Invitae), Labcorp
Classification: Uncertain significance for Arterial tortuosity syndrome. Last evaluated: 2025-01-15. Review status: criteria provided, single submitter. Criteria: Invitae Variant Classification Sherloc (09022015). Collection method: clinical testing. Allele origin: germline.
Comment: This sequence change replaces leucine, which is neutral and non-polar, with isoleucine, which is neutral and non-polar, at codon 55 of the SLC2A10 protein (p.Leu55Ile). This variant is not present in population databases (gnomAD no frequency). This variant has not been reported in the literature in individuals affected with SLC2A10-related conditions. Invitae Evidence Modeling of protein sequence and biophysical properties (such as structural, functional, and spatial information, amino acid conservation, physicochemical variation, residue mobility, and thermodynamic stability) indicates that this missense variant is not expected to disrupt SLC2A10 protein function with a negative predictive value of 95%. In summary, the available evidence is currently insufficient to determine the role of this variant in disease. Therefore, it has been classified as a Variant of Uncertain Significance.

NM_030777.4(SLC2A10):c.163C>A (p.Leu55Ile)

Gene: SLC2A10 (solute carrier family 2 member 10; plus strand). Cytogenetic location: 20q13.12.
Variant type: single nucleotide variant.
Coding change: c.163C>A on transcript NM_030777.4 (MANE Select); coding-DNA position 163, C replaced by A.
Protein change: p.Leu55Ile; replaces leucine 55 with isoleucine.
Molecular consequence: missense variant.
Genome position (GRCh38, 1-based): chr20:46,725,199, C>A. VCF-style: chr20-46725199-C-A. GRCh37 (hg19) VCF-style: chr20-45353838-C-A.
Other names: short protein forms L55I.
Identifiers: ClinVar variation 3637688 (VCV003637688.2).